The following is an entry in ClinVar:

ClinVar aggregate classification (germline): Conflicting classifications of pathogenicity. Review status: criteria provided, conflicting classifications (1 of 4 stars). 4 submissions from 4 submitters: Uncertain significance (1); Benign (1); Likely benign (2). Last evaluated 2026-01-05.

Conditions:
Age related macular degeneration 1 (ARMD1). Also called: MACULOPATHY, AGE-RELATED, 1. Identifiers: MedGen C1864205, MONDO:0011285, OMIM 603075.

Allele frequency attached by ClinVar (database versions not stated): ESP Exome Variant Server 0.00008; gnomAD 0.00061; TOPMed 0.00073; 1000 Genomes Project 30x 0.00406; 1000 Genomes Project 0.00499.
gnomAD v4.1: 1,395 of 1,613,440 alleles (0.086%); highest among the groups gnomAD compares: East Asian, 1.4%; 22 homozygotes.

Submissions (4):

Labcorp Genetics (formerly Invitae), Labcorp
Classification: Benign. Last evaluated: 2026-01-05. Review status: criteria provided, single submitter. Criteria: Invitae Variant Classification Sherloc (09022015). Collection method: clinical testing. Allele origin: germline.

Blueprint Genetics
Classification: Likely benign. Last evaluated: 2024-11-25. Review status: criteria provided, single submitter. Criteria: ACMG Guidelines, 2015. Collection method: clinical testing. Allele origin: germline.

Mendelics
Classification: Uncertain significance for Age related macular degeneration 1. Last evaluated: 2019-05-28. Review status: criteria provided, single submitter. Criteria: Mendelics Assertion Criteria 2017. Collection method: clinical testing. Allele origin: unknown.

Illumina Laboratory Services, Illumina
Classification: Likely benign for Age related macular degeneration 1. Last evaluated: 2018-01-13. Review status: criteria provided, single submitter. Criteria: ICSL Variant Classification Criteria 13 December 2019. Collection method: clinical testing. Allele origin: germline.
Comment: This variant was observed in the ICSL laboratory as part of a predisposition screen in an ostensibly healthy population. It had not been previously curated by ICSL or reported in the Human Gene Mutation Database (HGMD: prior to June 1st, 2018), and was therefore a candidate for classification through an automated scoring system. Utilizing variant allele frequency, disease prevalence and penetrance estimates, and inheritance mode, an automated score was calculated to assess if this variant is too frequent to cause the disease. Based on the score and internal cut-off values, a variant classified as likely benign is not then subjected to further curation. The score for this variant resulted in a classification of likely benign for this disease.

NM_031935.3(HMCN1):c.15614G>A (p.Arg5205His)

Gene: HMCN1 (hemicentin 1; plus strand). Cytogenetic location: 1q31.1.
Variant type: single nucleotide variant.
Coding change: c.15614G>A on transcript NM_031935.3 (MANE Select); coding-DNA position 15614, G replaced by A.
Protein change: p.Arg5205His; replaces arginine 5205 with histidine.
Molecular consequence: missense variant.
Genome position (GRCh38, 1-based): chr1:186,171,376, G>A. VCF-style: chr1-186171376-G-A. GRCh37 (hg19) VCF-style: chr1-186140508-G-A.
Other names: short protein forms R5205H.
Identifiers: ClinVar variation 294297 (VCV000294297.17), dbSNP rs150188026, ClinGen allele CA1295322.
Genomic context (GRCh38, chr1:186,171,376, plus strand): 5'-AAGTTTTGTTTTATTTAACAGATATTAATGAATGTCAAGAATCCAGCCCCTGTCACCAGC[G>A]CTGTTTCAATGCCATAGGAAGTTTCCATTGTGGATGTGAACCTGGGTATCAGCTCAAAGG-3'
Protein context (NP_114141.2, residues 5195-5215): ECQESSPCHQ[Arg5205His]CFNAIGSFHC